The following is an entry in ClinVar:

NM_000059.4(BRCA2):c.8002A>G (p.Arg2668Gly)

Gene: BRCA2 (BRCA2 DNA repair associated; plus strand). Cytogenetic location: 13q13.1.
Variant type: single nucleotide variant.
Coding change: c.8002A>G on transcript NM_000059.4 (MANE Select); coding-DNA position 8002, A replaced by G.
Protein change: p.Arg2668Gly; replaces arginine 2668 with glycine.
Molecular consequence: missense variant.
Genome position (GRCh38, 1-based): chr13:32,363,204, A>G. VCF-style: chr13-32363204-A-G. GRCh37 (hg19) VCF-style: chr13-32937341-A-G.
Other names: short protein forms R2668G.
Identifiers: ClinVar variation 480997 (VCV000480997.23), dbSNP rs276174900, ClinGen allele CA6941178.

ClinVar aggregate classification (germline): Uncertain significance. Review status: criteria provided, multiple submitters, no conflicts (2 of 4 stars). 6 submissions from 6 submitters: Uncertain significance (6). Last evaluated 2026-02-23.

Conditions:
Hereditary cancer-predisposing syndrome. Also called: Tumor predisposition; Hereditary Cancer Syndrome; Hereditary neoplastic syndrome; Neoplastic Syndromes, Hereditary. Identifiers: Orphanet 140162, MedGen C0027672, MeSH D009386, MONDO:0015356.
Breast-ovarian cancer, familial, susceptibility to, 2 (BROVCA2). Also called: BRCA2 Hereditary Breast and Ovarian Cancer. Identifiers: Orphanet 145, MedGen C2675520, MONDO:0012933, OMIM 612555. Disease mechanism: loss of function.
Hereditary breast ovarian cancer syndrome. Also called: Hereditary breast and ovarian cancer syndrome (HBOC); Breast and ovarian cancer; Hereditary breast and ovarian cancer; Hereditary breast and ovarian cancer syndrome; BRCA1- and BRCA2-Associated Hereditary Breast and Ovarian Cancer; Hereditary breast and/or ovarian cancer syndrome. Identifiers: Orphanet 145, MedGen C0677776, MeSH D061325, MONDO:0003582. Disease mechanism: loss of function.

Allele frequency attached by ClinVar (database versions not stated): gnomAD exomes 0.00002; ExAC 0.00003.
gnomAD v4.1: 10 of 1,613,846 alleles (0.00062%); highest among the groups gnomAD compares: South Asian, 0.0099%; no homozygotes.

Submissions (6):

Women's Health and Genetics/Laboratory Corporation of America, LabCorp
Classification: Uncertain significance. Last evaluated: 2026-02-23. Review status: criteria provided, single submitter. Criteria: LabCorp Variant Classification Summary - May 2015. Collection method: clinical testing. Allele origin: germline.
Comment: Variant summary: BRCA2 c.8002A>G (p.Arg2668Gly) results in a non-conservative amino acid change in the encoded protein sequence. Algorithms developed to predict the effect of missense changes on protein structure and function are either unavailable or do not agree on the potential impact of this missense change. The variant allele was found at a frequency of 2e-05 in 250732 control chromosomes (gnomAD). The available data on variant occurrences in the general population are insufficient to allow any conclusion about variant significance. c.8002A>G has been observed in at least one individual affected with Hereditary Breast And Ovarian Cancer Syndrome (Lila_2024). The report does not provide unequivocal conclusions about association of the variant with Hereditary Breast And Ovarian Cancer Syndrome. To our knowledge, no experimental evidence demonstrating an impact on protein function has been reported. The following publication have been ascertained in the context of this evaluation (PMID: 39733403). ClinVar contains an entry for this variant (Variation ID: 480997). Based on the evidence outlined above, the variant was classified as uncertain significance.

Labcorp Genetics (formerly Invitae), Labcorp
Classification: Uncertain significance for Hereditary breast ovarian cancer syndrome. Last evaluated: 2026-01-22. Review status: criteria provided, single submitter. Criteria: Invitae Variant Classification Sherloc (09022015). Collection method: clinical testing. Allele origin: germline.
Comment: This sequence change replaces arginine, which is basic and polar, with glycine, which is neutral and non-polar, at codon 2668 of the BRCA2 protein (p.Arg2668Gly). This variant is present in population databases (rs276174900, gnomAD 0.02%). This variant has not been reported in the literature in individuals affected with BRCA2-related conditions. ClinVar contains an entry for this variant (Variation ID: 480997). Invitae Evidence Modeling of protein sequence and biophysical properties (such as structural, functional, and spatial information, amino acid conservation, physicochemical variation, residue mobility, and thermodynamic stability) indicates that this missense variant is not expected to disrupt BRCA2 protein function with a negative predictive value of 95%. In summary, the available evidence is currently insufficient to determine the role of this variant in disease. Therefore, it has been classified as a Variant of Uncertain Significance.

Color Diagnostics, LLC DBA Color Health
Classification: Uncertain significance for Hereditary cancer-predisposing syndrome. Last evaluated: 2025-10-14. Review status: criteria provided, single submitter. Criteria: ACMG Guidelines, 2015. Collection method: clinical testing. Allele origin: germline.
Comment: This missense variant replaces arginine with glycine at codon 2668 of the BRCA2 protein. Computational prediction suggests that this variant may not impact protein structure and function. Functional studies have reported conflicting findings for this variant with disruption of function in a haploid cell proliferation assay and inconclusive impact in sensitivity assays to cisplatin and PARP inhibitor (PMID: 39779848, 39779857). This variant has been detected in a breast cancer case-control meta-analysis in 1/53461 unaffected individuals and absent in 60466 cases (PMID: 33471991LOVD DB-ID BRCA2_008638). This variant has been identified in 10/1613846 chromosomes in the general population by the Genome Aggregation Database (gnomAD v4). The available evidence is insufficient to determine the role of this variant in disease conclusively. Therefore, this variant is classified as a Variant of Uncertain Significance.

Ambry Genetics
Classification: Uncertain significance for Hereditary cancer-predisposing syndrome. Last evaluated: 2024-03-30. Review status: criteria provided, single submitter. Criteria: Ambry Variant Classification Scheme 2023. Collection method: clinical testing. Allele origin: germline.

All of Us Research Program, National Institutes of Health
Classification: Uncertain significance for Breast-ovarian cancer, familial, susceptibility to, 2. Last evaluated: 2024-01-11. Review status: criteria provided, single submitter. Criteria: ACMG Guidelines, 2015. Collection method: clinical testing. Allele origin: germline. Inheritance: Autosomal dominant inheritance. Observed: 1 variant allele, 1 heterozygote.
Comment: This missense variant replaces arginine with glycine at codon 2668 of the BRCA2 protein. Computational prediction is inconclusive regarding the impact of this variant on protein structure and function (internally defined REVEL score threshold 0.5 < inconclusive < 0.7, PMID: 27666373). To our knowledge, functional studies have not been reported for this variant. This variant has been reported in one individual affected with breast cancer (Novikova et al, 2021). This variant has been identified in 5/250732 chromosomes in the general population by the Genome Aggregation Database (gnomAD). The available evidence is insufficient to determine the role of this variant in disease conclusively. Therefore, this variant is classified as a Variant of Uncertain Significance.

This study involves interpretation of variants in research participants for the purpose of population health screening. Participant phenotype was not available at the time of variant classification. Additional details can be found in publication PMID: 35346344, PMCID: PMC8962531

GeneDx
Classification: Uncertain significance. Last evaluated: 2022-11-18. Review status: criteria provided, single submitter. Criteria: GeneDx Variant Classification Process June 2021. Collection method: clinical testing. Allele origin: germline. Affected: yes.
Comment: Not observed at significant frequency in large population cohorts (gnomAD); In silico analysis supports that this missense variant does not alter protein structure/function; Also known as 8230A>G; This variant is associated with the following publications: (PMID: 12228710, 27498913)

Literature cited by the submitters: PubMed 39733403 (cited by Women's Health and Genetics/Laboratory Corporation of America, LabCorp); PubMed 33471991 (cited by Color Diagnostics, LLC DBA Color Health); PubMed 39779848 (cited by Color Diagnostics, LLC DBA Color Health); PubMed 39779857 (cited by Color Diagnostics, LLC DBA Color Health).